The following is an entry in ClinVar:

NM_000742.4(CHRNA2):c.543C>G (p.Ser181Arg)

Gene: CHRNA2 (cholinergic receptor nicotinic alpha 2 subunit; minus strand). Cytogenetic location: 8p21.2.
Variant type: single nucleotide variant.
Coding change: c.543C>G on transcript NM_000742.4 (MANE Select); coding-DNA position 543, C replaced by G.
Protein change: p.Ser181Arg; replaces serine 181 with arginine.
Molecular consequence: missense variant. On other transcripts: intron variant (2).
Genome position (GRCh38, 1-based): chr8:27,463,900, G>C on the plus strand (C>G on the coding strand, the complement: CHRNA2 is on the minus strand). VCF-style: chr8-27463900-G-C. GRCh37 (hg19) VCF-style: chr8-27321417-G-C.
Other names: c.498C>G, p.Ser166Arg (NM_001282455.2); c.66C>G, p.Ser22Arg (NM_001347705.2, NM_001347706.2); c.-12-40C>G (NM_001347708.2); c.-9-43C>G (NM_001347707.2); short protein forms S166R, S181R, S22R.
Identifiers: ClinVar variation 646808 (VCV000646808.7), dbSNP rs768575325, ClinGen allele CA370811375.

ClinVar aggregate classification (germline): Uncertain significance (1 of 4 stars; one submission).

Conditions:
Familial sleep-related hypermotor epilepsy. Also called: Autosomal Dominant Sleep-Related Hypermotor (Hyperkinetic) Epilepsy. Identifiers: Orphanet 98784, MedGen C3696898, MONDO:0000030.

Allele frequency attached by ClinVar (database versions not stated): gnomAD 0.00001.
gnomAD v4.1: 6 of 1,614,108 alleles (0.00037%); highest among the groups gnomAD compares: Non-Finnish European, 0.00042%; no homozygotes.

Submission:

Labcorp Genetics (formerly Invitae), Labcorp
Classification: Uncertain significance. Last evaluated: 2024-04-08. Review status: criteria provided, single submitter. Criteria: Invitae Variant Classification Sherloc (09022015). Collection method: clinical testing. Allele origin: germline.
Comment: This sequence change replaces serine, which is neutral and polar, with arginine, which is basic and polar, at codon 181 of the CHRNA2 protein (p.Ser181Arg). This variant is not present in population databases (gnomAD no frequency). This variant has not been reported in the literature in individuals affected with CHRNA2-related conditions. ClinVar contains an entry for this variant (Variation ID: 646808). Advanced modeling of protein sequence and biophysical properties (such as structural, functional, and spatial information, amino acid conservation, physicochemical variation, residue mobility, and thermodynamic stability) performed at Invitae indicates that this missense variant is expected to disrupt CHRNA2 protein function with a positive predictive value of 80%. In summary, the available evidence is currently insufficient to determine the role of this variant in disease. Therefore, it has been classified as a Variant of Uncertain Significance.